The following is an entry in ClinVar:

NM_005609.4(PYGM):c.198G>C (p.Gly66=)

Gene: PYGM (glycogen phosphorylase, muscle associated; minus strand). Cytogenetic location: 11q13.1.
Variant type: single nucleotide variant.
Coding change: c.198G>C on transcript NM_005609.4 (MANE Select); coding-DNA position 198, G replaced by C.
Protein change: p.Gly66=; no amino-acid change (glycine 66 retained).
Molecular consequence: synonymous variant.
Genome position (GRCh38, 1-based): chr11:64,759,701, C>G on the plus strand (G>C on the coding strand, the complement: PYGM is on the minus strand). VCF-style: chr11-64759701-C-G. GRCh37 (hg19) VCF-style: chr11-64527173-C-G.
Other names: c.198G>C, p.Gly66= (NM_001164716.1).
Identifiers: ClinVar variation 1591198 (VCV001591198.31), dbSNP rs776064700, ClinGen allele CA6080347.

ClinVar aggregate classification (germline): Likely benign. Review status: criteria provided, multiple submitters, no conflicts (2 of 4 stars). 2 submissions from 2 submitters: Likely benign (2). Last evaluated 2023-05-05.

Conditions:
Glycogen storage disease, type V (GSD5). Also called: MCARDLE DISEASE; MUSCLE GLYCOGEN PHOSPHORYLASE DEFICIENCY; MYOPHOSPHORYLASE DEFICIENCY; PYGM DEFICIENCY; McArdle type glycogen storage disease. Identifiers: Orphanet 368, MedGen C0017924, MONDO:0009293, OMIM 232600.

Allele frequency attached by ClinVar (database versions not stated): ExAC 0.00001; gnomAD 0.00001; gnomAD exomes 0.00001; TOPMed 0.00001.
gnomAD v4.1: 6 of 1,614,046 alleles (0.00037%); highest among the groups gnomAD compares: Non-Finnish European, 0.00051%; no homozygotes.

Submissions (2):

Labcorp Genetics (formerly Invitae), Labcorp
Classification: Likely benign for Glycogen storage disease, type V. Last evaluated: 2023-05-05. Review status: criteria provided, single submitter. Criteria: Invitae Variant Classification Sherloc (09022015). Collection method: clinical testing. Allele origin: germline.

CeGaT Center for Human Genetics Tuebingen
Classification: Likely benign. Last evaluated: 2022-07-01. Review status: criteria provided, single submitter. Criteria: CeGaT Center For Human Genetics Tuebingen Variant Classification Criteria Version 2. Collection method: clinical testing. Allele origin: germline. Affected: yes. Observed: 1 variant allele.
Comment: PYGM: BP4, BP7